The following is an entry in ClinVar:

NM_182961.4(SYNE1):c.17363T>C (p.Ile5788Thr)

Genes: SYNE1 (spectrin repeat containing nuclear envelope protein 1; minus strand), LOC129997480 (ATAC-STARR-seq lymphoblastoid active region 25287; plus strand). Cytogenetic location: 6q25.2.
Variant type: single nucleotide variant.
Coding change: c.17363T>C on transcript NM_182961.4 (MANE Select); coding-DNA position 17363, T replaced by C.
Protein change: p.Ile5788Thr; replaces isoleucine 5788 with threonine.
Molecular consequence: missense variant.
Genome position (GRCh38, 1-based): chr6:152,302,047, A>G on the plus strand (T>C on the coding strand, the complement: SYNE1 is on the minus strand). VCF-style: chr6-152302047-A-G. GRCh37 (hg19) VCF-style: chr6-152623182-A-G.
Other names: c.17150T>C, p.Ile5717Thr (NM_033071.5); short protein forms I5717T, I5788T.
Identifiers: ClinVar variation 3389780 (VCV003389780.14).
Genomic context (GRCh38, chr6:152,302,047, plus strand): 5'-TTCATCGTCAGCATCTTGCACTTGGAATTCAAAGAAGCGATCTGCTCCTGGTAGCCCTTA[A>G]TTTTCTGCGCCAGCTCCTGAGGAAACATTTCCCCCACCGGGGTGTCAGAGCAGCATCAAA-3'
Protein context (NP_892006.3, residues 5778-5798): ISRHEELAQK[Ile5788Thr]KGYQEQIASL

ClinVar aggregate classification (germline): Uncertain significance (1 of 4 stars; one submission).

gnomAD v4.1: 2 of 1,614,194 alleles (0.00012%); highest among the groups gnomAD compares: Non-Finnish European, 0.00017%; no homozygotes.

Submission:

CeGaT Center for Human Genetics Tuebingen
Classification: Uncertain significance. Last evaluated: 2024-09-01. Review status: criteria provided, single submitter. Criteria: CeGaT Center For Human Genetics Tuebingen Variant Classification Criteria Version 2. Collection method: clinical testing. Allele origin: germline. Affected: yes. Observed: 1 variant allele.
Comment: SYNE1: PM2